The following is an entry in ClinVar:

NM_206933.4(USH2A):c.3320T>G (p.Ile1107Ser)

Genes: USH2A-AS1 (USH2A antisense RNA 1; plus strand), USH2A (usherin; minus strand). Cytogenetic location: 1q41.
Variant type: single nucleotide variant.
Coding change: c.3320T>G on transcript NM_206933.4 (MANE Select); coding-DNA position 3320, T replaced by G.
Protein change: p.Ile1107Ser; replaces isoleucine 1107 with serine.
Molecular consequence: missense variant.
Genome position (GRCh38, 1-based): chr1:216,200,118, A>C on the plus strand (T>G on the coding strand, the complement: USH2A is on the minus strand). VCF-style: chr1-216200118-A-C. GRCh37 (hg19) VCF-style: chr1-216373460-A-C.
Other names: c.3320T>G, p.Ile1107Ser (NM_007123.6); short protein forms I1107S.
Identifiers: ClinVar variation 295433 (VCV000295433.22), dbSNP rs146372677, ClinGen allele CA1396011.

ClinVar aggregate classification (germline): Conflicting classifications of pathogenicity. Review status: criteria provided, conflicting classifications (1 of 4 stars). 8 submissions from 7 submitters: Uncertain significance (2); Benign (1); Likely benign (3). 2 of the submissions do not count toward it. Last evaluated 2026-01-22.

Conditions:
Retinitis pigmentosa 39 (RP39). Identifiers: Orphanet 791, MedGen C3151138, MONDO:0013436, OMIM 613809.
Usher syndrome type 2A. Also called: RETINAL DISEASE IN USHER SYNDROME TYPE IIA, MODIFIER OF; USHER SYNDROME, TYPE IIA. Identifiers: Orphanet 231178, Orphanet 886, MedGen C1848634, MONDO:0010169, OMIM 276901.
USH2A-related disorder. Also called: USH2A-related condition; USH2A-related disorders. Identifiers: MedGen CN239332.
Retinitis pigmentosa (RP). Identifiers: Orphanet 791, MedGen C0035334, MeSH D012174, MONDO:0019200, OMIM 268000. Inheritance: Autosomal dominant, autosomal recessive and X linked inheritance.

Allele frequency attached by ClinVar (database versions not stated): ESP Exome Variant Server 0.00023; gnomAD exomes 0.00023 and 0.00053; gnomAD 0.00028 and 0.00029; TOPMed 0.00034; ExAC 0.00036.
gnomAD v4.1: 409 of 1,609,568 alleles (0.025%); highest among the groups gnomAD compares: Admixed American, 0.005%; 2 homozygotes.

Submissions (8):

Labcorp Genetics (formerly Invitae), Labcorp
Classification: Benign. Last evaluated: 2026-01-22. Review status: criteria provided, single submitter. Criteria: Invitae Variant Classification Sherloc (09022015). Collection method: clinical testing. Allele origin: germline.

Blueprint Genetics
Classification: Likely benign. Last evaluated: 2024-11-25. Review status: criteria provided, single submitter. Criteria: ACMG Guidelines, 2015. Collection method: clinical testing. Allele origin: germline.

Department of Pathology and Laboratory Medicine, Sinai Health System
Classification: Likely benign for Usher syndrome type 2A; Retinitis pigmentosa 39. Last evaluated: 2021-07-30. Review status: criteria provided, single submitter. Criteria: ACMG Guidelines, 2015. Collection method: research. Allele origin: germline.

GeneDx
Classification: Likely benign. Last evaluated: 2021-04-09. Review status: criteria provided, single submitter. Criteria: GeneDx Variant Classification Process June 2021. Collection method: clinical testing. Allele origin: germline. Affected: yes.

Illumina Laboratory Services, Illumina
Classification: Uncertain significance for Usher syndrome type 2A. Last evaluated: 2018-01-12. Review status: criteria provided, single submitter. Criteria: ICSL Variant Classification Criteria 13 December 2019. Collection method: clinical testing. Allele origin: germline.

Illumina Laboratory Services, Illumina
Classification: Uncertain significance for Retinitis pigmentosa. Last evaluated: 2018-01-12. Review status: criteria provided, single submitter. Criteria: ICSL Variant Classification Criteria 13 December 2019. Collection method: clinical testing. Allele origin: germline.

Natera, Inc.
Classification: Benign for Usher syndrome type 2A. Last evaluated: 2019-11-11. Review status: no assertion criteria provided. Collection method: clinical testing. Allele origin: germline. Not counted in ClinVar's aggregate classification.

PreventionGenetics, part of Exact Sciences
Classification: Likely benign for USH2A-related condition. Last evaluated: 2019-08-02. Review status: no assertion criteria provided. Collection method: clinical testing. Allele origin: germline. Not counted in ClinVar's aggregate classification.
Comment: This variant is classified as likely benign based on ACMG/AMP sequence variant interpretation guidelines (Richards et al. 2015 PMID: 25741868, with internal and published modifications).